The following is an entry in ClinVar:

NM_000059.4(BRCA2):c.316+2T>C

Gene: BRCA2 (BRCA2 DNA repair associated; plus strand). Cytogenetic location: 13q13.1.
Variant type: single nucleotide variant.
Coding change: c.316+2T>C on transcript NM_000059.4 (MANE Select); the canonical splice donor site of the intron after coding-DNA position 316, T replaced by C.
Molecular consequence: splice donor variant.
Genome position (GRCh38, 1-based): chr13:32,319,327, T>C. VCF-style: chr13-32319327-T-C. GRCh37 (hg19) VCF-style: chr13-32893464-T-C.
Other names: IVS3+2T>C; c.316+2T>C (NM_001406720.1, NM_001406719.1, NM_001406721.1); c.-54+2T>C (NM_001406722.1).
Identifiers: ClinVar variation 51407 (VCV000051407.39), dbSNP rs81002805, ClinGen allele CA017370.
Genomic context (GRCh38, chr13:32,319,327, plus strand): 5'-GACTCTGCCGCTGTACCAATCTCCTGTAAAAGAATTAGATAAATTCAAATTAGACTTAGG[T>C]AAGTAATGCAATATGGTAGACTGGGGAGAACTACAAACTAGGAATTTAGGCAAACCTGTG-3'

ClinVar aggregate classification (germline): Pathogenic. Review status: reviewed by expert panel (3 of 4 stars). 9 submissions from 9 submitters: Pathogenic (1). 8 of the submissions do not count toward it. Last evaluated 2018-04-01.

Conditions:
Gastric cancer. Also called: Stomach cancer; Malignant tumor of stomach. Identifiers: MedGen C0024623, MeSH D013274, MONDO:0001056, OMIM 613659, HP:0012126.
Hereditary cancer-predisposing syndrome. Also called: Hereditary Cancer Syndrome; Neoplastic Syndromes, Hereditary; Hereditary neoplastic syndrome; Tumor predisposition. Identifiers: Orphanet 140162, MedGen C0027672, MeSH D009386, MONDO:0015356.
Hereditary breast ovarian cancer syndrome. Also called: Hereditary breast and ovarian cancer syndrome; Breast and ovarian cancer; BRCA1- and BRCA2-Associated Hereditary Breast and Ovarian Cancer; Hereditary breast and/or ovarian cancer syndrome; Hereditary breast and ovarian cancer; Hereditary breast and ovarian cancer syndrome (HBOC). Identifiers: Orphanet 145, MedGen C0677776, MeSH D061325, MONDO:0003582. Disease mechanism: loss of function.
Breast-ovarian cancer, familial, susceptibility to, 2 (BROVCA2). Also called: BRCA2 Hereditary Breast and Ovarian Cancer. Identifiers: Orphanet 145, MedGen C2675520, MONDO:0012933, OMIM 612555. Disease mechanism: loss of function.
Familial cancer of breast. Also called: hereditary breast carcinoma; Hereditary breast cancer; BREAST CANCER, FAMILIAL. Identifiers: Orphanet 227535, MedGen C0346153, MONDO:0016419, OMIM 114480. Disease mechanism: loss of function.

Submissions (9):

Evidence-based Network for the Interpretation of Germline Mutant Alleles (ENIGMA)
Classification: Pathogenic for Breast-ovarian cancer, familial, susceptibility to, 2. Last evaluated: 2018-04-01. Review status: reviewed by expert panel. Criteria: ENIGMA BRCA1/2 Classification Criteria (2017-06-29). Collection method: curation. Allele origin: germline.
Comment: Almost complete (97%) skipping of exon 3 (r.68_316del) in a minigene splicing assay. Molecular consequence is the same as other variants designated as pathogenic as determined by multifactorial likelihood analysis (PMID: 29707112). Specifically, pathogenic consequence of the in-frame transcript without exon 3 has been shown in another family with a deletion of this exon, by co-segregation analysis with LR >1300:1 in favour of pathogenicity (PMID: 29707112).

Labcorp Genetics (formerly Invitae), Labcorp
Classification: Pathogenic for Hereditary breast ovarian cancer syndrome. Last evaluated: 2024-08-03. Review status: criteria provided, single submitter. Criteria: Invitae Variant Classification Sherloc (09022015). Collection method: clinical testing. Allele origin: germline. Not counted in ClinVar's aggregate classification.
Comment: This sequence change affects a donor splice site in intron 3 of the BRCA2 gene. RNA analysis indicates that disruption of this splice site induces altered splicing and likely results in a shortened protein product. This variant is not present in population databases (gnomAD no frequency). Disruption of this splice site has been observed in individual(s) with breast cancer (PMID: 29707112). ClinVar contains an entry for this variant (Variation ID: 51407). Studies have shown that disruption of this splice site results in skipping of exon 3, but is expected to preserve the integrity of the reading-frame (PMID: 29707112; Invitae). This variant disrupts the PALB2 binding domain which is critical for maintenance of the DNA repair function (PMID: 16793542, 22678057, 24323938, 19609323, 19369211). While functional studies have not been performed to directly test the effect of this variant on BRCA2 protein function, this suggests that disruption of this region of the protein is causative of disease. For these reasons, this variant has been classified as Pathogenic.

Ambry Genetics
Classification: Pathogenic for Hereditary cancer-predisposing syndrome. Last evaluated: 2024-07-17. Review status: criteria provided, single submitter. Criteria: Ambry Variant Classification Scheme 2023. Collection method: clinical testing. Allele origin: germline. Not counted in ClinVar's aggregate classification.
Comment: The c.316+2T>C intronic pathogenic mutation results from a T to C substitution two nucleotides after coding exon 2 in the BRCA2 gene. This mutation has been detected in patients of Asian ancestry with a personal and/or family history of breast and/or ovarian cancer (LaDuca H et al. PLoS One. 2017 Feb 2;12(2):e0170843; Momozawa Y et al. J Natl Cancer Inst, 2020 04;112:369-376; Ambry internal data). This alteration produced coding exon 2 (also known as Exon 3) skipping in multiple minigene assays (Caputo SM et al. Oncotarget, 2018 Apr;9:17334-17348; Fraile-Bethencourt E et al. J Pathol, 2019 08;248:409-420). Other alterations impacting the same donor site (c.315+5G>A and c.316+5G>C, among others) have also been described as producing the same splice defect are considered Class 5 by a multifactorial model of variant interpretation (Caputo SM et al. Oncotarget, 2018 Apr;9:17334-17348). In addition to the clinical data presented in the literature, alterations that disrupt the canonical splice site are expected to cause aberrant splicing, resulting in an abnormal protein or a transcript that is subject to nonsense-mediated mRNA decay. As such, this alteration is classified as a disease-causing mutation.

Baylor Genetics
Classification: Pathogenic for Familial cancer of breast. Last evaluated: 2024-03-06. Review status: criteria provided, single submitter. Criteria: ACMG Guidelines, 2015. Collection method: clinical testing. Allele origin: unknown. Not counted in ClinVar's aggregate classification.

Women's Health and Genetics/Laboratory Corporation of America, LabCorp
Classification: Pathogenic for Hereditary breast ovarian cancer syndrome. Last evaluated: 2023-12-18. Review status: criteria provided, single submitter. Criteria: LabCorp Variant Classification Summary - May 2015. Collection method: clinical testing. Allele origin: germline. Not counted in ClinVar's aggregate classification.
Comment: Variant summary: BRCA2 c.316+2T>C is located in a canonical splice-site and is predicted to affect mRNA splicing resulting in a significantly altered protein due to either exon skipping, shortening, or inclusion of intronic material. Several computational tools predict a significant impact on normal splicing: Three predict the variant abolishes a canonical 5' splicing donor site, and two predict the variant creates a cryptic 5' donor site. Publications report experimental evidence that this variant affects mRNA splicing, resulting in deletion of exon 3 (Caputo_2018, Fraile-Bethencourt_2019). The variant was absent in 249688 control chromosomes (gnomAD). c.316+2T>C has been reported in the literature in individuals affected with Hereditary Breast And Ovarian Cancer Syndrome (Caputo_2018, Inagaki-Kawata_2020). The following publications have been ascertained in the context of this evaluation (PMID: 29707112, 30883759, 33067557). Six submitters have cited clinical-significance assessments for this variant to ClinVar after 2014. All submitters classified the variant as pathogenic. Based on the evidence outlined above, the variant was classified as pathogenic.

GeneDx
Classification: Pathogenic. Last evaluated: 2023-03-30. Review status: criteria provided, single submitter. Criteria: GeneDx Variant Classification Process June 2021. Collection method: clinical testing. Allele origin: germline. Affected: yes. Not counted in ClinVar's aggregate classification.
Comment: Canonical splice site variant predicted to result in a null allele in a gene for which loss of function is a known mechanism of disease; Not observed at significant frequency in large population cohorts (gnomAD); Observed in individuals with prostate cancer (Momozawa et al., 2019); Truncating variants in this gene are considered pathogenic by a well-established clinical consortium and/or database; Also known as 544+2T>C; This variant is associated with the following publications: (PMID: 28152038, 29707112, 30883759, 34597585, 35979650, 31214711)

Quest Diagnostics Nichols Institute San Juan Capistrano
Classification: Pathogenic. Last evaluated: 2018-04-23. Review status: criteria provided, single submitter. Criteria: Quest Diagnostics criteria. Collection method: clinical testing. Allele origin: germline. Not counted in ClinVar's aggregate classification.

Laboratory for Genotyping Development, RIKEN
Classification: Pathogenic for Gastric cancer. Last evaluated: 2021-07-01. Review status: no assertion criteria provided. Collection method: research. Allele origin: germline. Not counted in ClinVar's aggregate classification.

Breast Cancer Information Core (BIC) (BRCA2)
Classification: Pathogenic for Breast-ovarian cancer, familial 2. Last evaluated: 2002-06-20. Review status: no assertion criteria provided. Collection method: clinical testing. Allele origin: germline. Affected: yes. Observed: 1 variant allele. Not counted in ClinVar's aggregate classification.

Literature cited by the submitters: PubMed 29707112 (cited by 4 submitters); PubMed 16793542 (cited by Labcorp Genetics (formerly Invitae), Labcorp); PubMed 22678057 (cited by Labcorp Genetics (formerly Invitae), Labcorp); PubMed 24323938 (cited by Labcorp Genetics (formerly Invitae), Labcorp); PubMed 19609323 (cited by Labcorp Genetics (formerly Invitae), Labcorp); PubMed 19369211 (cited by Labcorp Genetics (formerly Invitae), Labcorp); PubMed 30883759 (cited by Ambry Genetics and Women's Health and Genetics/Laboratory Corporation of America, LabCorp); PubMed 31214711 (cited by Ambry Genetics); PubMed 33067557 (cited by Women's Health and Genetics/Laboratory Corporation of America, LabCorp); PubMed 36988593 (cited by Laboratory for Genotyping Development, RIKEN).